The following is an entry in ClinVar:

ClinVar aggregate classification (germline): Uncertain significance. Review status: criteria provided, multiple submitters, no conflicts (2 of 4 stars). 2 submissions from 2 submitters: Uncertain significance (2). Last evaluated 2025-02-18.

Conditions:
Propionic acidemia (PROP). Also called: HYPERGLYCINEMIA WITH KETOACIDOSIS AND LEUKOPENIA; KETOTIC HYPERGLYCINEMIA; GLYCINEMIA, KETOTIC. Identifiers: Orphanet 35, MedGen C0268579, MONDO:0011628, OMIM 606054, HP:0003571.
Inborn genetic diseases. Identifiers: MedGen C0950123, MeSH D030342.

gnomAD v4.1: 127 of 1,613,556 alleles (0.0079%); highest among the groups gnomAD compares: Non-Finnish European, 0.011%; no homozygotes.

Submissions (2):

Ambry Genetics
Classification: Uncertain significance for Inborn genetic diseases. Last evaluated: 2025-02-18. Review status: criteria provided, single submitter. Criteria: Ambry Variant Classification Scheme 2023. Collection method: clinical testing. Allele origin: germline.

Labcorp Genetics (formerly Invitae), Labcorp
Classification: Uncertain significance for Propionic acidemia. Last evaluated: 2022-03-24. Review status: criteria provided, single submitter. Criteria: Invitae Variant Classification Sherloc (09022015). Collection method: clinical testing. Allele origin: germline.
Comment: This sequence change replaces isoleucine, which is neutral and non-polar, with phenylalanine, which is neutral and non-polar, at codon 131 of the PCCA protein (p.Ile131Phe). This variant is present in population databases (rs759924381, gnomAD 0.006%). This variant has not been reported in the literature in individuals affected with PCCA-related conditions. Advanced modeling of protein sequence and biophysical properties (such as structural, functional, and spatial information, amino acid conservation, physicochemical variation, residue mobility, and thermodynamic stability) performed at Invitae indicates that this missense variant is expected to disrupt PCCA protein function. In summary, the available evidence is currently insufficient to determine the role of this variant in disease. Therefore, it has been classified as a Variant of Uncertain Significance.

NM_000282.4(PCCA):c.391A>T (p.Ile131Phe)

Gene: PCCA (propionyl-CoA carboxylase subunit alpha; plus strand). Cytogenetic location: 13q32.3.
Variant type: single nucleotide variant.
Coding change: c.391A>T on transcript NM_000282.4 (MANE Select); coding-DNA position 391, A replaced by T.
Protein change: p.Ile131Phe; replaces isoleucine 131 with phenylalanine.
Molecular consequence: missense variant. On other transcripts: 5 prime UTR variant (3), non-coding transcript variant (5).
Genome position (GRCh38, 1-based): chr13:100,155,069, A>T. VCF-style: chr13-100155069-A-T. GRCh37 (hg19) VCF-style: chr13-100807323-A-T.
Other names: c.313A>T, p.Ile105Phe (NM_001127692.3, NM_001352607.2, NM_001352608.2); c.391A>T, p.Ile131Phe (NM_001178004.2, NM_001352605.2, NM_001352606.2 and 1 more transcripts); c.-476A>T (NM_001352610.2, NM_001352611.2, NM_001352612.2); c.391A>T (NM_000282.3); short protein forms I131F, I105F.
Identifiers: ClinVar variation 2046033 (VCV002046033.2), dbSNP rs759924381, ClinGen allele CA7033205.